The following is an entry in ClinVar:

ClinVar aggregate classification (germline): Uncertain significance (1 of 4 stars; one submission).

Conditions:
Amyotrophic lateral sclerosis type 6. Also called: FUS-Related Amyotrophic Laterial Sclerosis; Amyotrophic lateral sclerosis 6, with or without frontotemporal dementia; AMYOTROPHIC LATERAL SCLEROSIS 6 WITHOUT FRONTOTEMPORAL DEMENTIA. Identifiers: Orphanet 275872, Orphanet 803, MedGen C2931786, MONDO:0011951, OMIM 608030.
Tremor, hereditary essential, 4 (ETM4). Identifiers: MedGen C3539195, MONDO:0013888, OMIM 614782.

Allele frequency attached by ClinVar (database versions not stated): gnomAD exomes below 0.00001.
gnomAD v4.1: 1 of 1,614,176 alleles (0.000062%); highest among the groups gnomAD compares: Non-Finnish European, 0.000085%; no homozygotes.

Submission:

Labcorp Genetics (formerly Invitae), Labcorp
Classification: Uncertain significance for Tremor, hereditary essential, 4; Amyotrophic lateral sclerosis type 6. Last evaluated: 2023-10-18. Review status: criteria provided, single submitter. Criteria: Invitae Variant Classification Sherloc (09022015). Collection method: clinical testing. Allele origin: germline.
Comment: This sequence change falls in intron 2 of the FUS gene. It does not directly change the encoded amino acid sequence of the FUS protein. This variant is not present in population databases (gnomAD no frequency). This variant has not been reported in the literature in individuals affected with FUS-related conditions. Algorithms developed to predict the effect of sequence changes on RNA splicing suggest that this variant may create or strengthen a splice site. In summary, the available evidence is currently insufficient to determine the role of this variant in disease. Therefore, it has been classified as a Variant of Uncertain Significance.

NM_004960.4(FUS):c.39-18G>A

Gene: FUS (FUS RNA binding protein; plus strand). Cytogenetic location: 16p11.2.
Variant type: single nucleotide variant.
Coding change: c.39-18G>A on transcript NM_004960.4 (MANE Select); 18 bases into the intron before coding-DNA position 39, G replaced by A.
Molecular consequence: intron variant.
Genome position (GRCh38, 1-based): chr16:31,182,495, G>A. VCF-style: chr16-31182495-G-A. GRCh37 (hg19) VCF-style: chr16-31193816-G-A.
Other names: c.39-18G>A (NM_001170937.1, NM_001170634.1).
Identifiers: ClinVar variation 2953046 (VCV002953046.3), dbSNP rs2544247233, ClinGen allele CA2632834376.